The following is an entry in ClinVar:

NM_006015.6(ARID1A):c.6230C>A (p.Pro2077His)

Gene: ARID1A (AT-rich interaction domain 1A; plus strand). Cytogenetic location: 1p36.11.
Variant type: single nucleotide variant.
Coding change: c.6230C>A on transcript NM_006015.6 (MANE Select); coding-DNA position 6230, C replaced by A.
Protein change: p.Pro2077His; replaces proline 2077 with histidine.
Molecular consequence: missense variant.
Genome position (GRCh38, 1-based): chr1:26,780,128, C>A. VCF-style: chr1-26780128-C-A. GRCh37 (hg19) VCF-style: chr1-27106619-C-A.
Other names: c.5579C>A, p.Pro1860His (NM_139135.4); short protein forms P1860H, P2077H.
Identifiers: ClinVar variation 1698043 (VCV001698043.2), dbSNP rs2124147019, ClinGen allele CA339190923.

ClinVar aggregate classification (germline): Uncertain significance (1 of 4 stars; one submission).

Submission:

GeneDx
Classification: Uncertain significance. Last evaluated: 2022-01-24. Review status: criteria provided, single submitter. Criteria: GeneDx Variant Classification Process June 2021. Collection method: clinical testing. Allele origin: germline. Affected: yes.
Comment: Not observed at significant frequency in large population cohorts (gnomAD); In silico analysis supports that this missense variant has a deleterious effect on protein structure/function; Has not been previously published as pathogenic or benign to our knowledge